The following is an entry in ClinVar:

ClinVar aggregate classification (germline): Likely benign (1 of 4 stars; one submission).

Submission:

CeGaT Center for Human Genetics Tuebingen
Classification: Likely benign. Last evaluated: 2025-10-01. Review status: criteria provided, single submitter. Criteria: CeGaT Center For Human Genetics Tuebingen Variant Classification Criteria Version 2. Collection method: clinical testing. Allele origin: germline. Affected: yes. Observed: 1 variant allele.
Comment: ICOSLG: PM2:Supporting, BP4, BP7

NC_000021.9:g.44218132C>T

Gene: ICOSLG (inducible T cell costimulator ligand; minus strand). Cytogenetic location: 21q22.3.
Variant type: single nucleotide variant.
Genome position: GRCh38 VCF-style: chr21-44218132-C-T. GRCh37 (hg19) VCF-style: chr21-45638015-C-T.
Identifiers: ClinVar variation 4534990 (VCV004534990.6).